The following is an entry in ClinVar:

NM_000553.6(WRN):c.3237G>A (p.Ser1079=)

Gene: WRN (WRN RecQ like helicase; plus strand). Cytogenetic location: 8p12.
Variant type: single nucleotide variant.
Coding change: c.3237G>A on transcript NM_000553.6 (MANE Select); coding-DNA position 3237, G replaced by A.
Protein change: p.Ser1079=; no amino-acid change (serine 1079 retained).
Molecular consequence: synonymous variant.
Genome position (GRCh38, 1-based): chr8:31,142,629, G>A. VCF-style: chr8-31142629-G-A. GRCh37 (hg19) VCF-style: chr8-31000145-G-A.
Other names: p.Ser1079=.
Identifiers: ClinVar variation 238149 (VCV000238149.19), dbSNP rs11574345, ClinGen allele CA4704991.

ClinVar aggregate classification (germline): Benign/Likely benign. Review status: criteria provided, multiple submitters, no conflicts (2 of 4 stars). 7 submissions from 6 submitters: Benign (5); Likely benign (2). Last evaluated 2026-02-03.

Conditions:
Wiskott-Aldrich syndrome (WAS). Also called: ALDRICH SYNDROME; IMMUNODEFICIENCY 2; WISKOTT-ALDRICH SYNDROME 1; Wiskott-aldrich syndrome, somatic. Identifiers: Orphanet 906, MedGen C0043194, MONDO:0010518, OMIM 301000.
Werner syndrome (WRN). Identifiers: Orphanet 902, MedGen C0043119, MONDO:0010196, OMIM 277700.

Allele frequency attached by ClinVar (database versions not stated): gnomAD 0.00069; TOPMed 0.00123; ExAC 0.00206; gnomAD exomes 0.00217; 1000 Genomes Project 30x 0.00515; 1000 Genomes Project 0.00579.
gnomAD v4.1: 1,127 of 1,592,336 alleles (0.071%); highest among the groups gnomAD compares: East Asian, 2%; 11 homozygotes.

Submissions (7):

Labcorp Genetics (formerly Invitae), Labcorp
Classification: Benign for Werner syndrome. Last evaluated: 2026-02-03. Review status: criteria provided, single submitter. Criteria: Invitae Variant Classification Sherloc (09022015). Collection method: clinical testing. Allele origin: germline.

Mayo Clinic Laboratories, Mayo Clinic
Classification: Benign. Last evaluated: 2025-03-05. Review status: criteria provided, single submitter. Criteria: ACMG Guidelines, 2015. Collection method: clinical testing. Allele origin: germline. Observed: 1 variant allele.
Comment: BS1, BS2, BP4, BP7

KCCC/NGS Laboratory, Kuwait Cancer Control Center
Classification: Benign for Werner syndrome. Last evaluated: 2025-02-01. Review status: criteria provided, single submitter. Criteria: ACMG Guidelines, 2015. Collection method: clinical testing. Allele origin: germline. Affected: no.

KCCC/NGS Laboratory, Kuwait Cancer Control Center
Classification: Benign for Wiskott-Aldrich syndrome. Last evaluated: 2023-07-07. Review status: criteria provided, single submitter. Criteria: ACMG Guidelines, 2015. Collection method: clinical testing. Allele origin: germline. Affected: yes.

Genome-Nilou Lab
Classification: Benign for Werner syndrome. Last evaluated: 2021-12-05. Review status: criteria provided, single submitter. Criteria: ACMG Guidelines, 2015. Collection method: clinical testing. Allele origin: germline. Affected: no.

Illumina Laboratory Services, Illumina
Classification: Likely benign for Werner syndrome. Last evaluated: 2017-04-27. Review status: criteria provided, single submitter. Criteria: ICSL Variant Classification Criteria 13 December 2019. Collection method: clinical testing. Allele origin: germline.
Comment: This variant was observed as part of a predisposition screen in an ostensibly healthy population. A literature search was performed for the gene, cDNA change, and amino acid change (where applicable). No publications were found based on this search. Allele frequency data from public databases allowed determination this variant is unlikely to cause disease. Therefore, this variant is classified as likely benign.

Breakthrough Genomics
Classification: Likely benign. Review status: criteria provided, single submitter. Criteria: ACMG Guidelines, 2015. Collection method: not provided. Allele origin: germline. Inheritance: Autosomal recessive inheritance. Affected: yes.